The following is an entry in ClinVar:

NM_018714.3(COG1):c.2806-13C>T

Genes: VCF1 (VCP nuclear cofactor family member 1; minus strand), COG1 (component of oligomeric golgi complex 1; plus strand). Cytogenetic location: 17q25.1.
Variant type: single nucleotide variant.
Coding change: c.2806-13C>T on transcript NM_018714.3 (MANE Select); 13 bases into the intron before coding-DNA position 2806, C replaced by T.
Molecular consequence: intron variant. On other transcripts: 3 prime UTR variant (5).
Genome position (GRCh38, 1-based): chr17:73,208,301, C>T. VCF-style: chr17-73208301-C-T. GRCh37 (hg19) VCF-style: chr17-71204440-C-T.
Other names: c.*1228G>A (NM_001098832.2, NM_001289412.2, NM_032837.3); c.*1377G>A (NM_001289410.1, NM_001289411.1).
Identifiers: ClinVar variation 324977 (VCV000324977.15), dbSNP rs141573449, ClinGen allele CA8740669.

ClinVar aggregate classification (germline): Benign/Likely benign. Review status: criteria provided, multiple submitters, no conflicts (2 of 4 stars). 4 submissions from 4 submitters: Benign (1); Likely benign (3). Last evaluated 2026-02-01.

Conditions:
COG1 congenital disorder of glycosylation (CDG2G). Also called: CONGENITAL DISORDER OF GLYCOSYLATION, TYPE IIg; CDG IIg; CDGII/COG1 CEREBROCOSTOMANDIBULAR-LIKE SYNDROME. Identifiers: Orphanet 263508, MedGen C2931011, MONDO:0012637, OMIM 611209.

Allele frequency attached by ClinVar (database versions not stated): 1000 Genomes Project 0.00220; 1000 Genomes Project 30x 0.00250; ESP Exome Variant Server 0.00300; gnomAD 0.00374 and 0.00381; TOPMed 0.00399; ExAC 0.00483; gnomAD exomes 0.00544.
gnomAD v4.1: 7,194 of 1,613,064 alleles (0.45%); highest among the groups gnomAD compares: Admixed American, 1.3%; 31 homozygotes.

Submissions (4):

Labcorp Genetics (formerly Invitae), Labcorp
Classification: Benign for COG1 congenital disorder of glycosylation. Last evaluated: 2026-02-01. Review status: criteria provided, single submitter. Criteria: Invitae Variant Classification Sherloc (09022015). Collection method: clinical testing. Allele origin: germline.

GeneDx
Classification: Likely benign. Last evaluated: 2021-05-04. Review status: criteria provided, single submitter. Criteria: GeneDx Variant Classification Process June 2021. Collection method: clinical testing. Allele origin: germline. Affected: yes.
Comment: See Variant Classification Assertion Criteria.

Illumina Laboratory Services, Illumina
Classification: Likely benign for COG1 congenital disorder of glycosylation. Last evaluated: 2018-01-13. Review status: criteria provided, single submitter. Criteria: ICSL Variant Classification Criteria 13 December 2019. Collection method: clinical testing. Allele origin: germline.
Comment: This variant was observed in the ICSL laboratory as part of a predisposition screen in an ostensibly healthy population. It had not been previously curated by ICSL or reported in the Human Gene Mutation Database (HGMD: prior to June 1st, 2018), and was therefore a candidate for classification through an automated scoring system. Utilizing variant allele frequency, disease prevalence and penetrance estimates, and inheritance mode, an automated score was calculated to assess if this variant is too frequent to cause the disease. Based on the score and internal cut-off values, a variant classified as likely benign is not then subjected to further curation. The score for this variant resulted in a classification of likely benign for this disease.

Breakthrough Genomics
Classification: Likely benign. Review status: criteria provided, single submitter. Criteria: ACMG Guidelines, 2015. Collection method: not provided. Allele origin: germline. Inheritance: Autosomal recessive inheritance. Affected: yes.